The following is an entry in ClinVar:

NM_000158.4(GBE1):c.496C>T (p.Arg166Cys)

Gene: GBE1 (1,4-alpha-glucan branching enzyme 1; minus strand). Cytogenetic location: 3p12.2.
Variant type: single nucleotide variant.
Coding change: c.496C>T on transcript NM_000158.4 (MANE Select); coding-DNA position 496, C replaced by T.
Protein change: p.Arg166Cys; replaces arginine 166 with cysteine.
Molecular consequence: missense variant.
Genome position (GRCh38, 1-based): chr3:81,649,855, G>A on the plus strand (C>T on the coding strand, the complement: GBE1 is on the minus strand). VCF-style: chr3-81649855-G-A. GRCh37 (hg19) VCF-style: chr3-81699006-G-A.
Other names: p.Arg166Cys; short protein forms R166C.
Identifiers: ClinVar variation 1310835 (VCV001310835.9), dbSNP rs376546162, ClinGen allele CA2499951.

ClinVar aggregate classification (germline): Uncertain significance. Review status: criteria provided, multiple submitters, no conflicts (2 of 4 stars). 5 submissions from 5 submitters: Uncertain significance (5). Last evaluated 2024-09-09.

Conditions:
Glycogen storage disease IV, classic hepatic. Also called: GSD IV, CLASSIC HEPATIC. Identifiers: MedGen C1856301.
Glycogen storage disease, type IV (GSD4). Also called: AMYLOPECTINOSIS; ANDERSEN DISEASE; CIRRHOSIS, FAMILIAL, WITH DEPOSITION OF ABNORMAL GLYCOGEN; GBE1 DEFICIENCY; GLYCOGEN BRANCHING ENZYME DEFICIENCY; GLYCOGENOSIS IV. Identifiers: Orphanet 367, MedGen C0017923, MONDO:0009292, OMIM 232500.
Adult polyglucosan body disease (APBN). Also called: GBE1-Adult Polyglucosan Body Disease; POLYGLUCOSAN BODY DISEASE, ADULT FORM. Identifiers: Orphanet 206583, MedGen C1849722, MONDO:0009897, OMIM 263570.

Allele frequency attached by ClinVar (database versions not stated): gnomAD exomes 0.00003; ExAC 0.00004; gnomAD 0.00009; ESP Exome Variant Server 0.00017.

Submissions (5):

GeneDx
Classification: Uncertain significance. Last evaluated: 2024-09-09. Review status: criteria provided, single submitter. Criteria: GeneDx Variant Classification Process June 2021. Collection method: clinical testing. Allele origin: germline. Affected: yes.
Comment: Reported in a patient with amyotrophic lateral sclerosis; however, detailed clinical information was not provided (PMID: 31475037); In silico analysis supports that this missense variant has a deleterious effect on protein structure/function; This variant is associated with the following publications: (PMID: 31475037)

Labcorp Genetics (formerly Invitae), Labcorp
Classification: Uncertain significance for Glycogen storage disease, type IV; Glycogen storage disease IV, classic hepatic. Last evaluated: 2024-08-09. Review status: criteria provided, single submitter. Criteria: Invitae Variant Classification Sherloc (09022015). Collection method: clinical testing. Allele origin: germline.
Comment: This sequence change replaces arginine, which is basic and polar, with cysteine, which is neutral and slightly polar, at codon 166 of the GBE1 protein (p.Arg166Cys). This variant is present in population databases (rs376546162, gnomAD 0.01%). This variant has not been reported in the literature in individuals affected with GBE1-related conditions. ClinVar contains an entry for this variant (Variation ID: 1310835). Advanced modeling of protein sequence and biophysical properties (such as structural, functional, and spatial information, amino acid conservation, physicochemical variation, residue mobility, and thermodynamic stability) performed at Invitae indicates that this missense variant is not expected to disrupt GBE1 protein function with a negative predictive value of 95%. In summary, the available evidence is currently insufficient to determine the role of this variant in disease. Therefore, it has been classified as a Variant of Uncertain Significance.

Blueprint Genetics
Classification: Uncertain significance. Last evaluated: 2023-11-20. Review status: criteria provided, single submitter. Criteria: ACMG Guidelines, 2015. Collection method: clinical testing. Allele origin: germline.

Mayo Clinic Laboratories, Mayo Clinic
Classification: Uncertain significance. Last evaluated: 2023-09-27. Review status: criteria provided, single submitter. Criteria: ACMG Guidelines, 2015. Collection method: clinical testing. Allele origin: germline. Observed: 1 variant allele.
Comment: BP4

Fulgent Genetics
Classification: Uncertain significance for Glycogen storage disease, type IV; Adult polyglucosan body disease. Last evaluated: 2021-08-10. Review status: criteria provided, single submitter. Criteria: ACMG Guidelines, 2015. Collection method: clinical testing. Allele origin: unknown.

Literature cited by the submitters: PubMed 31475037 (cited by Mayo Clinic Laboratories, Mayo Clinic).